The following is an entry in ClinVar:

ClinVar aggregate classification (germline): Uncertain significance (0 of 4 stars; one submission).

Conditions:
NRXN3-related disorder. Also called: NRXN3-related condition.

gnomAD v4.1: 6 of 1,612,304 alleles (0.00037%); highest among the groups gnomAD compares: Admixed American, 0.0067%; no homozygotes.

Submission:

PreventionGenetics, part of Exact Sciences
Classification: Uncertain significance for NRXN3-related condition. Last evaluated: 2024-06-27. Review status: no assertion criteria provided. Collection method: clinical testing. Allele origin: germline.
Comment: The NRXN3 c.992G>C variant is predicted to result in the amino acid substitution p.Arg331Thr. To our knowledge, this variant has not been reported in the literature. This variant is reported in 0.0% of alleles in individuals of African descent in gnomAD. At this time, the clinical significance of this variant is uncertain due to the absence of conclusive functional and genetic evidence.

NM_001330195.2(NRXN3):c.4093+4G>C

Gene: NRXN3 (neurexin 3; plus strand). Cytogenetic location: 14q31.1.
Variant type: single nucleotide variant.
Coding change: c.4093+4G>C on transcript NM_001330195.2 (MANE Select); 4 bases into the intron after coding-DNA position 4093, G replaced by C.
Molecular consequence: intron variant. On other transcripts: missense variant (1), non-coding transcript variant (2).
Genome position (GRCh38, 1-based): chr14:79,805,194, G>C. VCF-style: chr14-79805194-G-C. GRCh37 (hg19) VCF-style: chr14-80271537-G-C.
Other names: c.992G>C, p.Arg331Thr (NM_138970.5); c.4105+4G>C (NM_001366426.1); c.4003+4G>C (NM_001366425.1); c.2884+4G>C (NM_004796.6); c.1078+4G>C (NM_001105250.3); c.988+4G>C (NM_001272020.2); short protein forms R331T.
Identifiers: ClinVar variation 3358308 (VCV003358308.1).